The following is an entry in ClinVar:

ClinVar aggregate classification (germline): Uncertain significance (1 of 4 stars; one submission).

Submission:

Laboratorio de Genetica e Diagnostico Molecular, Hospital Israelita Albert Einstein
Classification: Uncertain significance. Last evaluated: 2020-03-23. Review status: criteria provided, single submitter. Criteria: ACMG Guidelines, 2015. Collection method: clinical testing. Allele origin: germline. Affected: yes.
Comment: ACMG classification criteria: PM2, BP4

NM_000687.4(AHCY):c.836T>A (p.Ile279Asn)

Gene: AHCY (adenosylhomocysteinase; minus strand). Cytogenetic location: 20q11.22.
Variant type: single nucleotide variant.
Coding change: c.836T>A on transcript NM_000687.4 (MANE Select); coding-DNA position 836, T replaced by A.
Protein change: p.Ile279Asn; replaces isoleucine 279 with asparagine.
Molecular consequence: missense variant.
Genome position (GRCh38, 1-based): chr20:34,290,569, A>T on the plus strand (T>A on the coding strand, the complement: AHCY is on the minus strand). VCF-style: chr20-34290569-A-T. GRCh37 (hg19) VCF-style: chr20-32878375-A-T.
Other names: c.752T>A, p.Ile251Asn (NM_001161766.2, NM_001322084.2, NM_001322085.2); c.842T>A, p.Ile281Asn (NM_001322086.2); c.836T>A, p.Ile279Asn (NM_001362750.2); short protein forms I251N, I279N, I281N.
Identifiers: ClinVar variation 1690839 (VCV001690839.2), dbSNP rs142847412, ClinGen allele CA408657044.